The following is an entry in ClinVar:

NM_006096.4(NDRG1):c.109A>T (p.Ile37Phe)

Gene: NDRG1 (N-myc downstream regulated 1; minus strand). Cytogenetic location: 8q24.22.
Variant type: single nucleotide variant.
Coding change: c.109A>T on transcript NM_006096.4 (MANE Select); coding-DNA position 109, A replaced by T.
Protein change: p.Ile37Phe; replaces isoleucine 37 with phenylalanine.
Molecular consequence: missense variant. On other transcripts: 5 prime UTR variant (2), intron variant (1).
Genome position (GRCh38, 1-based): chr8:133,264,643, T>A on the plus strand (A>T on the coding strand, the complement: NDRG1 is on the minus strand). VCF-style: chr8-133264643-T-A. GRCh37 (hg19) VCF-style: chr8-134276886-T-A.
Other names: c.109A>T, p.Ile37Phe (NM_001135242.2, NM_001374844.1, NM_001374845.1 and 1 more transcripts); c.-90A>T (NM_001258432.2, NM_001374847.1); c.-38-2476A>T (NM_001258433.2); short protein forms I37F.
Identifiers: ClinVar variation 972292 (VCV000972292.6), dbSNP rs200046476, ClinGen allele CA4886881.

ClinVar aggregate classification (germline): Uncertain significance. Review status: criteria provided, multiple submitters, no conflicts (2 of 4 stars). 3 submissions from 3 submitters: Uncertain significance (2). 1 of the submissions does not count toward it. Last evaluated 2022-04-27.

Conditions:
Charcot-Marie-Tooth disease type 4. Also called: Charcot-Marie-Tooth, Type 4; Charcot-Marie-Tooth disease, type IV. Identifiers: Orphanet 64749, MedGen C4082197, MONDO:0018995.

Allele frequency attached by ClinVar (database versions not stated): ESP Exome Variant Server 0.00008; gnomAD exomes 0.00004; ExAC 0.00006; TOPMed 0.00003.
gnomAD v4.1: 45 of 1,614,084 alleles (0.0028%); highest among the groups gnomAD compares: Non-Finnish European, 0.0036%; no homozygotes.

Submissions (3):

GeneDx
Classification: Uncertain significance. Last evaluated: 2022-04-27. Review status: criteria provided, single submitter. Criteria: GeneDx Variant Classification Process June 2021. Collection method: clinical testing. Allele origin: germline. Affected: yes.
Comment: Not observed at significant frequency in large population cohorts (gnomAD); In silico analysis supports that this missense variant has a deleterious effect on protein structure/function; Has not been previously published as pathogenic or benign to our knowledge

Labcorp Genetics (formerly Invitae), Labcorp
Classification: Uncertain significance for Charcot-Marie-Tooth disease type 4. Last evaluated: 2021-11-28. Review status: criteria provided, single submitter. Criteria: Invitae Variant Classification Sherloc (09022015). Collection method: clinical testing. Allele origin: germline.
Comment: This sequence change replaces isoleucine, which is neutral and non-polar, with phenylalanine, which is neutral and non-polar, at codon 37 of the NDRG1 protein (p.Ile37Phe). This variant is present in population databases (rs200046476, gnomAD 0.008%). This variant has not been reported in the literature in individuals affected with NDRG1-related conditions. ClinVar contains an entry for this variant (Variation ID: 972292). Algorithms developed to predict the effect of missense changes on protein structure and function are either unavailable or do not agree on the potential impact of this missense change (SIFT: "Deleterious"; PolyPhen-2: "Possibly Damaging"; Align-GVGD: "Class C0"). In summary, the available evidence is currently insufficient to determine the role of this variant in disease. Therefore, it has been classified as a Variant of Uncertain Significance.

Natera, Inc.
Classification: Uncertain significance for Charcot-Marie-Tooth disease type 4. Last evaluated: 2020-10-09. Review status: no assertion criteria provided. Collection method: clinical testing. Allele origin: germline. Not counted in ClinVar's aggregate classification.